The following is an entry in ClinVar:

ClinVar aggregate classification (germline): Uncertain significance (1 of 4 stars; one submission).

Conditions:
Early-infantile DEE. Also called: Early infantile epileptic encephalopathy; Early infantile epileptic encephalopathy with suppression bursts; Ohtahara syndrome. Identifiers: Orphanet 1934, MedGen C0393706, MONDO:0800491.

Submission:

Labcorp Genetics (formerly Invitae), Labcorp
Classification: Uncertain significance for Early-infantile DEE. Last evaluated: 2022-12-13. Review status: criteria provided, single submitter. Criteria: Invitae Variant Classification Sherloc (09022015). Collection method: clinical testing. Allele origin: germline.
Comment: In summary, the available evidence is currently insufficient to determine the role of this variant in disease. Therefore, it has been classified as a Variant of Uncertain Significance. Algorithms developed to predict the effect of missense changes on protein structure and function (SIFT, PolyPhen-2, Align-GVGD) all suggest that this variant is likely to be disruptive. This variant has not been reported in the literature in individuals affected with SPTAN1-related conditions. This variant is not present in population databases (gnomAD no frequency). This sequence change replaces asparagine, which is neutral and polar, with lysine, which is basic and polar, at codon 1010 of the SPTAN1 protein (p.Asn1010Lys).

NM_001130438.3(SPTAN1):c.3030C>A (p.Asn1010Lys)

Gene: SPTAN1 (spectrin alpha, non-erythrocytic 1; plus strand). Cytogenetic location: 9q34.11.
Variant type: single nucleotide variant.
Coding change: c.3030C>A on transcript NM_001130438.3 (MANE Select); coding-DNA position 3030, C replaced by A.
Protein change: p.Asn1010Lys; replaces asparagine 1010 with lysine.
Molecular consequence: missense variant.
Genome position (GRCh38, 1-based): chr9:128,591,500, C>A. VCF-style: chr9-128591500-C-A. GRCh37 (hg19) VCF-style: chr9-131353779-C-A.
Other names: c.3030C>A, p.Asn1010Lys (NM_001195532.2, NM_001363759.2, NM_001363765.2 and 5 more transcripts); c.3066C>A, p.Asn1022Lys (NM_001375312.2, NM_001375318.1); short protein forms N1010K, N1022K.
Identifiers: ClinVar variation 2820541 (VCV002820541.3), dbSNP rs202129574, ClinGen allele CA375060140.